The following is an entry in ClinVar:

ClinVar aggregate classification (germline): Uncertain significance. Review status: criteria provided, multiple submitters, no conflicts (2 of 4 stars). 2 submissions from 2 submitters: Uncertain significance (2). Last evaluated 2023-03-22.

Conditions:
Ataxia-telangiectasia-like disorder (ATLD). Identifiers: MedGen C1858391, MONDO:0011457.
Hereditary cancer-predisposing syndrome. Also called: Neoplastic Syndromes, Hereditary; Tumor predisposition; Hereditary Cancer Syndrome; Hereditary neoplastic syndrome. Identifiers: Orphanet 140162, MedGen C0027672, MeSH D009386, MONDO:0015356.

Allele frequency attached by ClinVar (database versions not stated): gnomAD exomes below 0.00001; TOPMed below 0.00001; ExAC 0.00001; gnomAD 0.00001.
gnomAD v4.1: 3 of 1,613,198 alleles (0.00019%); highest among the groups gnomAD compares: African/African-American, 0.0027%; no homozygotes.

Submissions (2):

Ambry Genetics
Classification: Uncertain significance for Hereditary cancer-predisposing syndrome. Last evaluated: 2023-03-22. Review status: criteria provided, single submitter. Criteria: Ambry Variant Classification Scheme 2023. Collection method: clinical testing. Allele origin: germline.
Comment: The p.I320L variant (also known as c.958A>C), located in coding exon 8 of the MRE11A gene, results from an A to C substitution at nucleotide position 958. The isoleucine at codon 320 is replaced by leucine, an amino acid with highly similar properties. This amino acid position is not conserved, and leucine is a reference amino acid in several species. In addition, this alteration is predicted to be tolerated by in silico analysis. Since supporting evidence is limited at this time, the clinical significance of this alteration remains unclear.

Labcorp Genetics (formerly Invitae), Labcorp
Classification: Uncertain significance for Ataxia-telangiectasia-like disorder. Last evaluated: 2017-03-06. Review status: criteria provided, single submitter. Criteria: Invitae Variant Classification Sherloc (09022015). Collection method: clinical testing. Allele origin: germline.
Comment: In summary, this variant is a rare missense change that is not predicted to affect protein function. There is no indication that it causes disease, but the available evidence is currently insufficient to prove that conclusively. Therefore, it has been classified as a Variant of Uncertain Significance. Algorithms developed to predict the effect of missense changes on protein structure and function output the following: SIFT: "Tolerated"; PolyPhen-2: "Benign"; Align-GVGD: "Class C0". The leucine amino acid residue is found in multiple mammalian species, suggesting that this missense change does not adversely affect protein function. These predictions have not been confirmed by published functional studies. This variant is present in population databases (rs762210984, ExAC 0.01%) but has not been reported in the literature in individuals with a MRE11A-related disease. This sequence change replaces isoleucine with leucine at codon 320 of the MRE11A protein (p.Ile320Leu). The isoleucine residue is weakly conserved and there is a small physicochemical difference between isoleucine and leucine.

NM_005591.4(MRE11):c.958A>C (p.Ile320Leu)

Gene: MRE11 (MRE11 double strand break repair nuclease; minus strand). Cytogenetic location: 11q21.
Variant type: single nucleotide variant.
Coding change: c.958A>C on transcript NM_005591.4 (MANE Select); coding-DNA position 958, A replaced by C.
Protein change: p.Ile320Leu; replaces isoleucine 320 with leucine.
Molecular consequence: missense variant.
Genome position (GRCh38, 1-based): chr11:94,470,530, T>G on the plus strand (A>C on the coding strand, the complement: MRE11 is on the minus strand). VCF-style: chr11-94470530-T-G. GRCh37 (hg19) VCF-style: chr11-94203696-T-G.
Other names: c.958A>C, p.Ile320Leu (NM_001330347.2, NM_005590.4); short protein forms I320L.
Identifiers: ClinVar variation 466444 (VCV000466444.15), dbSNP rs762210984, ClinGen allele CA6235254.
Genomic context (GRCh38, chr11:94,470,530, plus strand): 5'-CCTTCTCCAAACAGAAGCTTTGTATGGCTTGGGTTACTTTAGGATTATCTGGGTTAAAAA[T>G]GTCTGGATGATTAGCTAGAACAATATCCTCCATGAAAAACTGCCGCACTGTGTGAAGAGG-3'
Protein context (NP_005582.1, residues 310-330): EDIVLANHPD[Ile320Leu]FNPDNPKVTQ